The following is an entry in ClinVar:

NM_138694.4(PKHD1):c.7864A>G (p.Thr2622Ala)

Gene: PKHD1 (PKHD1 ciliary IPT domain containing fibrocystin/polyductin; minus strand). Cytogenetic location: 6p12.2.
Variant type: single nucleotide variant.
Coding change: c.7864A>G on transcript NM_138694.4 (MANE Select); coding-DNA position 7864, A replaced by G.
Protein change: p.Thr2622Ala; replaces threonine 2622 with alanine.
Molecular consequence: missense variant.
Genome position (GRCh38, 1-based): chr6:51,855,940, T>C on the plus strand (A>G on the coding strand, the complement: PKHD1 is on the minus strand). VCF-style: chr6-51855940-T-C. GRCh37 (hg19) VCF-style: chr6-51720738-T-C.
Other names: c.7864A>G, p.Thr2622Ala (NM_170724.3); c.7864A>G (NM_138694.3); short protein forms T2622A.
Identifiers: ClinVar variation 594871 (VCV000594871.7), dbSNP rs777859323, ClinGen allele CA3851813.

ClinVar aggregate classification (germline): Uncertain significance. Review status: criteria provided, multiple submitters, no conflicts (2 of 4 stars). 3 submissions from 3 submitters: Uncertain significance (3). Last evaluated 2025-10-22.

Conditions:
PKHD1-related disorder. Also called: PKHD1-related condition.
Inborn genetic diseases. Identifiers: MedGen C0950123, MeSH D030342.

Allele frequency attached by ClinVar (database versions not stated): ExAC 0.00001; gnomAD 0.00001; gnomAD exomes 0.00002 and 0.00005; TOPMed 0.00005.
gnomAD v4.1: 73 of 1,613,808 alleles (0.0045%); highest among the groups gnomAD compares: Middle Eastern, 0.082%; no homozygotes.

Submissions (3):

PreventionGenetics, part of Exact Sciences
Classification: Uncertain significance for PKHD1-related condition. Last evaluated: 2025-10-22. Review status: criteria provided, single submitter. Criteria: ACMG Guidelines, 2015. Collection method: clinical testing. Allele origin: germline.
Comment: The PKHD1 c.7864A>G variant is predicted to result in the amino acid substitution p.Thr2622Ala. To our knowledge, this variant has not been reported in the literature. This variant is reported in 0.0039% of alleles in individuals of European (Non-Finnish) descent in gnomAD. At this time, the clinical significance of this variant is uncertain due to the absence of conclusive functional and genetic evidence.

Ambry Genetics
Classification: Uncertain significance for Inborn genetic diseases. Last evaluated: 2024-10-01. Review status: criteria provided, single submitter. Criteria: Ambry Variant Classification Scheme 2023. Collection method: clinical testing. Allele origin: germline.

Eurofins Ntd Llc (ga)
Classification: Uncertain significance. Last evaluated: 2017-11-07. Review status: criteria provided, single submitter. Criteria: EGL Classification Definitions 2015. Collection method: clinical testing. Allele origin: germline. Observed: 1 variant allele, 1 heterozygote.